The following is an entry in ClinVar:

ClinVar aggregate classification (germline): Conflicting classifications of pathogenicity. Review status: criteria provided, conflicting classifications (1 of 4 stars). 5 submissions from 5 submitters: Uncertain significance (2); Likely benign (3). Last evaluated 2026-06-08.

Conditions:
MCM2-related disorder. Also called: MCM2-related condition.

Allele frequency attached by ClinVar (database versions not stated): gnomAD 0.00024 and 0.00025; gnomAD exomes 0.00026 and 0.00027; TOPMed 0.00028; ExAC 0.00029; 1000 Genomes Project 30x 0.00031; ESP Exome Variant Server 0.00038; 1000 Genomes Project 0.00040.

Submissions (5):

PreventionGenetics, part of Exact Sciences
Classification: Likely benign for MCM2-related condition. Last evaluated: 2026-06-08. Review status: criteria provided, single submitter. Criteria: ACMG Guidelines, 2015. Collection method: clinical testing. Allele origin: germline.
Comment: This variant is classified as likely benign based on ACMG/AMP sequence variant interpretation guidelines (Richards et al. 2015 PMID: 25741868, with internal and published modifications).

Labcorp Genetics (formerly Invitae), Labcorp
Classification: Uncertain significance. Last evaluated: 2025-12-02. Review status: criteria provided, single submitter. Criteria: Invitae Variant Classification Sherloc (09022015). Collection method: clinical testing. Allele origin: germline.
Comment: This sequence change replaces isoleucine, which is neutral and non-polar, with threonine, which is neutral and polar, at codon 485 of the MCM2 protein (p.Ile485Thr). This variant is present in population databases (rs139336906, gnomAD 0.05%), and has an allele count higher than expected for a pathogenic variant. This variant has not been reported in the literature in individuals affected with MCM2-related conditions. ClinVar contains an entry for this variant (Variation ID: 680322). Invitae Evidence Modeling of protein sequence and biophysical properties (such as structural, functional, and spatial information, amino acid conservation, physicochemical variation, residue mobility, and thermodynamic stability) indicates that this missense variant is expected to disrupt MCM2 protein function with a positive predictive value of 80%. In summary, the available evidence is currently insufficient to determine the role of this variant in disease. Therefore, it has been classified as a Variant of Uncertain Significance.

Ambry Genetics
Classification: Uncertain significance. Last evaluated: 2025-10-02. Review status: criteria provided, single submitter. Criteria: Ambry Variant Classification Scheme 2023. Collection method: clinical testing. Allele origin: germline.

GeneDx
Classification: Likely benign. Last evaluated: 2021-05-07. Review status: criteria provided, single submitter. Criteria: GeneDx Variant Classification Process June 2021. Collection method: clinical testing. Allele origin: germline. Affected: yes.

Breakthrough Genomics
Classification: Likely benign. Review status: criteria provided, single submitter. Criteria: ACMG Guidelines, 2015. Collection method: not provided. Allele origin: germline. Inheritance: Autosomal dominant inheritance. Affected: yes.

NM_004526.4(MCM2):c.1454T>C (p.Ile485Thr)

Gene: MCM2 (minichromosome maintenance complex component 2; plus strand). Cytogenetic location: 3q21.3.
Variant type: single nucleotide variant.
Coding change: c.1454T>C on transcript NM_004526.4 (MANE Select); coding-DNA position 1454, T replaced by C.
Protein change: p.Ile485Thr; replaces isoleucine 485 with threonine.
Molecular consequence: missense variant. On other transcripts: non-coding transcript variant (1).
Genome position (GRCh38, 1-based): chr3:127,615,887, T>C. VCF-style: chr3-127615887-T-C. GRCh37 (hg19) VCF-style: chr3-127334730-T-C.
Other names: c.1454T>C (NM_004526.2); short protein forms I485T.
Identifiers: ClinVar variation 680322 (VCV000680322.11), dbSNP rs139336906, ClinGen allele CA2595914.